The following is an entry in ClinVar:

NM_000540.3(RYR1):c.6304G>C (p.Val2102Leu)

Gene: RYR1 (ryanodine receptor 1; plus strand). Cytogenetic location: 19q13.2.
Variant type: single nucleotide variant.
Coding change: c.6304G>C on transcript NM_000540.3 (MANE Select); coding-DNA position 6304, G replaced by C.
Protein change: p.Val2102Leu; replaces valine 2102 with leucine.
Molecular consequence: missense variant.
Genome position (GRCh38, 1-based): chr19:38,494,381, G>C. VCF-style: chr19-38494381-G-C. GRCh37 (hg19) VCF-style: chr19-38985021-G-C.
Other names: c.6304G>C (NM_000540.2); c.6304G>C, p.Val2102Leu (NM_001042723.2); short protein forms V2102L.
Identifiers: ClinVar variation 1210308 (VCV001210308.7), dbSNP rs770593660, ClinGen allele CA068028.

ClinVar aggregate classification (germline): Uncertain significance. Review status: reviewed by expert panel (3 of 4 stars). 4 submissions from 4 submitters: Uncertain significance (1). 3 of the submissions do not count toward it. Last evaluated 2025-08-01.

Conditions:
Malignant hyperthermia, susceptibility to, 1 (MHS1). Also called: RYR1-Related Malignant Hyperthermia Susceptibility; Anesthesia related hyperthermia; Malignant hyperpyrexia; Fulminating hyperpyrexia; Pharmacogenic myopathy; Malignant hyperthermia suceptibility 1. Identifiers: Orphanet 423, MedGen C2930980, MONDO:0007783, OMIM 145600.
Congenital multicore myopathy with external ophthalmoplegia (CMYO1B). Also called: Congenital myopathy 1B, autosomal recessive; Minicore myopathy; MULTICORE MYOPATHY; Minicore myopathy with external ophthalmoplegia; MULTIMINICORE DISEASE WITH EXTERNAL OPHTHALMOPLEGIA. Identifiers: Orphanet 598, Orphanet 98905, MedGen C1850674, MONDO:0009712, OMIM 255320, HP:0003789.
King Denborough syndrome (KDS). Identifiers: MedGen C1840365, MONDO:0020485, OMIM 619542.
Central core myopathy (CMYO1A). Also called: Central core disease; Myopathy, central fibrillar; CONGENITAL MYOPATHY 1A, AUTOSOMAL DOMINANT, WITH SUSCEPTIBILITY TO MALIGNANT HYPERTHERMIA. Identifiers: Orphanet 597, MedGen C5830701, MONDO:0007294, OMIM 117000.
Congenital myopathy with fiber type disproportion. Also called: Congenital fiber-type disproportion myopathy; Congenital fiber-type disproportion. Identifiers: Orphanet 2020, MedGen C0546264, MONDO:0009711. Inheritance: all.

gnomAD v4.1: 2 of 1,611,738 alleles (0.00012%); highest among the groups gnomAD compares: Non-Finnish European, 0.00017%; no homozygotes.

Submissions (4):

ClinGen Malignant Hyperthermia Susceptibility Variant Curation Expert Panel, ClinGen
Classification: Uncertain significance for Malignant hyperthermia, susceptibility to, 1. Last evaluated: 2025-08-01. Review status: reviewed by expert panel. Criteria: ClinGen MHS ACMG Specifications V2. Collection method: curation. Allele origin: germline. Inheritance: Autosomal dominant inheritance.
Comment: This pathogenicity assessment is relevant only for malignant hyperthermia susceptibility (MHS) inherited in an autosomal dominant pattern. Variants in RYR1 can also cause other myopathies inherited in an autosomal dominant pattern or in an autosomal recessive pattern. Some of these disorders may predispose individuals to malignant hyperthermia. RYR1 variants may also contribute to a malignant hyperthermia reaction in combination with other genetic and non-genetic factors and the clinician needs to consider such factors in making management decisions. This sequence variant predicts a substitution of valine with leucine at codon 2102 of the RYR1 protein, p.Val2102Leu. The maximum allele frequency for this variant among the six major gnomAD populations is NFE: 0.000018, a frequency consistent with pathogenicity for MHS. This variant has been reported in an individual with a personal or family history of an MH episode and a positive in vitro contracture test (IVCT) or caffeine halothane contracture test (CHCT) result (if the proband was unavailable for testing, a positive diagnostic test result in a mutation-positive relative was counted), however, this variant was in cis to a second RYR1 variant that has been classified as a variant of uncertain significance (p.Arg1583Cys), for that reason PS4 was not implemented (PMID:23035052). The allele containing both variants segregated with MHS in four individuals in this family, however, since the effect of the two alleles cannot be separated PP1 was not implemented for this variant (PMID:23035052). No functional studies were identified for this variant. This variant resides in a region of RYR1 considered to be a hotspot for pathogenic variants that contribute to MHS, PM1 (PMID: 21118704). A REVEL score of 0.515 supports neither a pathogenic nor a benign status for this variant. This variant has been classified as a Variant of Unknown Significance. Criteria implemented: PM1.

Color Diagnostics, LLC DBA Color Health
Classification: Uncertain significance for Malignant hyperthermia, susceptibility to, 1. Last evaluated: 2025-11-24. Review status: criteria provided, single submitter. Criteria: ACMG Guidelines, 2015. Collection method: clinical testing. Allele origin: germline. Not counted in ClinVar's aggregate classification.
Comment: This missense variant replaces valine with leucine at codon 2102 of the RYR1 protein. Computational prediction is inconclusive regarding the impact of this variant on protein structure and function. To our knowledge, functional studies have not been reported for this variant. This variant has been reported in an individual affected with malignant hyperthermia in which another RYR1 variant (p.Arg1583Cys) was also identified (PMID: 32236737). This variant has been identified in 2/1611738 chromosomes in the general population by the Genome Aggregation Database (gnomAD). The available evidence is insufficient to determine the role of this variant in disease conclusively. Therefore, this variant is classified as a Variant of Uncertain Significance.

All of Us Research Program, National Institutes of Health
Classification: Uncertain significance for Malignant hyperthermia, susceptibility to, 1. Last evaluated: 2024-05-09. Review status: criteria provided, single submitter. Criteria: ACMG Guidelines, 2015. Collection method: clinical testing. Allele origin: germline. Inheritance: Autosomal dominant inheritance. Observed: 2 variant alleles, 2 heterozygotes. Not counted in ClinVar's aggregate classification.
Comment: This study involves interpretation of variants in research participants for the purpose of population health screening. Participant phenotype was not available at the time of variant classification. Additional details can be found in publication PMID: 35346344, PMCID: PMC8962531

Fulgent Genetics
Classification: Uncertain significance for Central core myopathy; Malignant hyperthermia, susceptibility to, 1; Congenital myopathy 4A, autosomal dominant; Congenital multicore myopathy with external ophthalmoplegia; King Denborough syndrome. Last evaluated: 2021-07-26. Review status: criteria provided, single submitter. Criteria: ACMG Guidelines, 2015. Collection method: clinical testing. Allele origin: unknown. Not counted in ClinVar's aggregate classification.

Literature cited by the submitters: PubMed 32236737 (cited by Color Diagnostics, LLC DBA Color Health).